The following is an entry in ClinVar:

NM_002458.3(MUC5B):c.11206G>A (p.Gly3736Arg)

Genes: MUC5B (mucin 5B, oligomeric mucus/gel-forming; plus strand), MUC5B-AS1 (MUC5B antisense RNA 1; minus strand). Cytogenetic location: 11p15.5.
Variant type: single nucleotide variant.
Coding change: c.11206G>A on transcript NM_002458.3 (MANE Select); coding-DNA position 11206, G replaced by A.
Protein change: p.Gly3736Arg; replaces glycine 3736 with arginine.
Molecular consequence: missense variant.
Genome position (GRCh38, 1-based): chr11:1,248,086, G>A. VCF-style: chr11-1248086-G-A. GRCh37 (hg19) VCF-style: chr11-1269316-G-A.
Other names: c.11206G>A (NM_002458.2); short protein forms G3736R.
Identifiers: ClinVar variation 2672438 (VCV002672438.24), dbSNP rs745880752, ClinGen allele CA5807576.

ClinVar aggregate classification (germline): Conflicting classifications of pathogenicity. Review status: criteria provided, conflicting classifications (1 of 4 stars). 2 submissions from 2 submitters: Uncertain significance (1); Likely benign (1). Last evaluated 2024-01-02.

Allele frequency attached by ClinVar (database versions not stated): gnomAD 0.00003; ExAC 0.00004.

Submissions (2):

Ambry Genetics
Classification: Uncertain significance. Last evaluated: 2024-01-02. Review status: criteria provided, single submitter. Criteria: Ambry Variant Classification Scheme 2023. Collection method: clinical testing. Allele origin: germline.

CeGaT Center for Human Genetics Tuebingen
Classification: Likely benign. Last evaluated: 2023-11-01. Review status: criteria provided, single submitter. Criteria: CeGaT Center For Human Genetics Tuebingen Variant Classification Criteria Version 2. Collection method: clinical testing. Allele origin: germline. Affected: yes. Observed: 1 variant allele.
Comment: MUC5B: BP4